The following is an entry in ClinVar:

NM_001042492.3(NF1):c.1670G>A (p.Ser557Asn)

Gene: NF1 (neurofibromin 1; plus strand). Cytogenetic location: 17q11.2.
Variant type: single nucleotide variant.
Coding change: c.1670G>A on transcript NM_001042492.3 (MANE Select); coding-DNA position 1670, G replaced by A.
Protein change: p.Ser557Asn; replaces serine 557 with asparagine.
Molecular consequence: missense variant.
Genome position (GRCh38, 1-based): chr17:31,221,878, G>A. VCF-style: chr17-31221878-G-A. GRCh37 (hg19) VCF-style: chr17-29548896-G-A.
Other names: c.1670G>A, p.Ser557Asn (NM_001128147.3, NM_000267.4); short protein forms S557N.
Identifiers: ClinVar variation 579243 (VCV000579243.13), dbSNP rs1567845046, ClinGen allele CA399002265.

ClinVar aggregate classification (germline): Conflicting classifications of pathogenicity. Review status: criteria provided, conflicting classifications (1 of 4 stars). 4 submissions from 4 submitters: Uncertain significance (3); Benign (1). Last evaluated 2026-06-16.

Conditions:
Hereditary cancer-predisposing syndrome. Also called: Neoplastic Syndromes, Hereditary; Hereditary Cancer Syndrome; Hereditary neoplastic syndrome; Tumor predisposition. Identifiers: Orphanet 140162, MedGen C0027672, MeSH D009386, MONDO:0015356.
Cardiovascular phenotype. Identifiers: MedGen CN230736.
Neurofibromatosis, type 1 (NF1). Also called: VON RECKLINGHAUSEN DISEASE; Neurofibromatosis, type I; Peripheral type neurofibromatosis; NEUROFIBROMATOSIS, TYPE I, SOMATIC. Identifiers: Orphanet 636, MedGen C0027831, MONDO:0018975, OMIM 162200. Disease mechanism: loss of function.

Allele frequency attached by ClinVar (database versions not stated): gnomAD exomes below 0.00001.
gnomAD v4.1: 4 of 1,606,614 alleles (0.00025%); highest among the groups gnomAD compares: Non-Finnish European, 0.00034%; no homozygotes.

Submissions (4):

Ambry Genetics
Classification: Uncertain significance for Cardiovascular phenotype; Hereditary cancer-predisposing syndrome. Last evaluated: 2026-06-16. Review status: criteria provided, single submitter. Criteria: Ambry Variant Classification Scheme 2023. Collection method: clinical testing. Allele origin: germline.
Comment: The p.S557N variant (also known as c.1670G>A), located in coding exon 15 of the NF1 gene, results from a G to A substitution at nucleotide position 1670. The serine at codon 557 is replaced by asparagine, an amino acid with highly similar properties. This missense variant is located in a region that has a low rate of benign missense variation (Lek M et al. Nature. 2016 Aug 18;536(7616):285-91; DECIPHER: Database of Chromosomal Imbalance and Phenotype in Humans using Ensembl Resources. Firth H.V. et al. 2009. Am.J.Hum.Genet. 84, 524-533 (DOI)).This amino acid position is well conserved in available vertebrate species. In addition, this alteration is predicted to be tolerated by in silico analysis. Since supporting evidence is limited at this time, the clinical significance of this alteration remains unclear.

Labcorp Genetics (formerly Invitae), Labcorp
Classification: Benign for Neurofibromatosis, type 1. Last evaluated: 2026-01-07. Review status: criteria provided, single submitter. Criteria: Invitae Variant Classification Sherloc (09022015). Collection method: clinical testing. Allele origin: germline.

GeneDx
Classification: Uncertain significance. Last evaluated: 2025-04-24. Review status: criteria provided, single submitter. Criteria: GeneDx Variant Classification Process June 2021. Collection method: clinical testing. Allele origin: germline. Affected: yes.
Comment: Not observed at significant frequency in large population cohorts (gnomAD); In silico analysis indicates that this missense variant does not alter protein structure/function; Has not been previously published as pathogenic or benign to our knowledge; This variant is associated with the following publications: (PMID: 25486365)

Genome-Nilou Lab
Classification: Uncertain significance for Neurofibromatosis, type 1. Last evaluated: 2022-03-15. Review status: criteria provided, single submitter. Criteria: ACMG Guidelines, 2015. Collection method: clinical testing. Allele origin: germline. Affected: no.